The following is an entry in ClinVar:

NM_001184880.2(PCDH19):c.2663A>G (p.His888Arg)

Gene: PCDH19 (protocadherin 19; minus strand). Cytogenetic location: Xq22.1.
Variant type: single nucleotide variant.
Coding change: c.2663A>G on transcript NM_001184880.2 (MANE Select); coding-DNA position 2663, A replaced by G.
Protein change: p.His888Arg; replaces histidine 888 with arginine.
Molecular consequence: missense variant.
Genome position (GRCh38, 1-based): chrX:100,350,658, T>C on the plus strand (A>G on the coding strand, the complement: PCDH19 is on the minus strand). VCF-style: chrX-100350658-T-C. GRCh37 (hg19) VCF-style: chrX-99605656-T-C.
Other names: c.2522A>G, p.His841Arg (NM_001105243.2, NM_020766.3); short protein forms H841R, H888R.
Identifiers: ClinVar variation 4085973 (VCV004085973.8).

ClinVar aggregate classification (germline): Uncertain significance (1 of 4 stars; one submission).

gnomAD v4.1: 1 of 1,189,642 alleles (0.000084%); highest among the groups gnomAD compares: Non-Finnish European, 0.00011%; no homozygotes.

Submission:

CeGaT Center for Human Genetics Tuebingen
Classification: Uncertain significance. Last evaluated: 2025-08-01. Review status: criteria provided, single submitter. Criteria: CeGaT Center For Human Genetics Tuebingen Variant Classification Criteria Version 2. Collection method: clinical testing. Allele origin: germline. Affected: yes. Observed: 1 variant allele.
Comment: PCDH19: PM2